The following is an entry in ClinVar:

ClinVar aggregate classification (germline): Uncertain significance. Review status: criteria provided, multiple submitters, no conflicts (2 of 4 stars). 2 submissions from 2 submitters: Uncertain significance (2). Last evaluated 2025-06-12.

Conditions:
Inborn genetic diseases. Identifiers: MedGen C0950123, MeSH D030342.
Orofacial cleft 11 (OFC11). Also called: Orofacial cleft 11; ofc11; CLEFT LIP WITH OR WITHOUT CLEFT PALATE, NONSYNDROMIC, 11. Identifiers: MedGen C2677434, MONDO:0010906, OMIM 600625.
Microphthalmia with brain and digit anomalies (MCOPS6). Also called: Microphthalmia, syndromic 6; MICROPHTHALMIA AND PITUITARY ANOMALIES. Identifiers: Orphanet 139471, MedGen C1864689, MONDO:0011936, OMIM 607932.

Allele frequency attached by ClinVar (database versions not stated): ExAC 0.00001; gnomAD exomes 0.00001; TOPMed 0.00006; gnomAD 0.00007.
gnomAD v4.1: 23 of 1,613,684 alleles (0.0014%); highest among the groups gnomAD compares: African/African-American, 0.027%; no homozygotes.

Submissions (2):

Labcorp Genetics (formerly Invitae), Labcorp
Classification: Uncertain significance for Microphthalmia with brain and digit anomalies; Orofacial cleft 11. Last evaluated: 2025-06-12. Review status: criteria provided, single submitter. Criteria: Invitae Variant Classification Sherloc (09022015). Collection method: clinical testing. Allele origin: germline.
Comment: This sequence change replaces threonine, which is neutral and polar, with alanine, which is neutral and non-polar, at codon 30 of the BMP4 protein (p.Thr30Ala). This variant is present in population databases (rs759558138, gnomAD 0.03%). This variant has not been reported in the literature in individuals affected with BMP4-related conditions. ClinVar contains an entry for this variant (Variation ID: 2381876). An algorithm developed to predict the effect of missense changes on protein structure and function (PolyPhen-2) suggests that this variant is likely to be tolerated. In summary, the available evidence is currently insufficient to determine the role of this variant in disease. Therefore, it has been classified as a Variant of Uncertain Significance.

Ambry Genetics
Classification: Uncertain significance for Inborn genetic diseases. Last evaluated: 2022-06-28. Review status: criteria provided, single submitter. Criteria: Ambry Variant Classification Scheme 2023. Collection method: clinical testing. Allele origin: germline.

NM_001202.6(BMP4):c.88A>G (p.Thr30Ala)

Gene: BMP4 (bone morphogenetic protein 4; minus strand). Cytogenetic location: 14q22.2.
Variant type: single nucleotide variant.
Coding change: c.88A>G on transcript NM_001202.6 (MANE Select); coding-DNA position 88, A replaced by G.
Protein change: p.Thr30Ala; replaces threonine 30 with alanine.
Molecular consequence: missense variant. On other transcripts: 5 prime UTR variant (3).
Genome position (GRCh38, 1-based): chr14:53,952,135, T>C on the plus strand (A>G on the coding strand, the complement: BMP4 is on the minus strand). VCF-style: chr14-53952135-T-C. GRCh37 (hg19) VCF-style: chr14-54418853-T-C.
Other names: c.229A>G, p.Thr77Ala (NM_001347912.1); c.-102A>G (NM_001347913.2, NM_001347915.2, NM_001347917.1); c.88A>G, p.Thr30Ala (NM_001347914.2, NM_001347916.1, NM_130850.5 and 1 more transcripts); short protein forms T77A, T30A.
Identifiers: ClinVar variation 2381876 (VCV002381876.4), dbSNP rs759558138, ClinGen allele CA7191839.
Genomic context (GRCh38, chr14:53,952,135, plus strand): 5'-TCTGCCCTGAGCGGCGTCCTCCCGCGTGGCCCTGAATCTCGGCGACTTTTTTCTTCCCCG[T>C]CTCAGGTATCAAACTAGCATGGCTCGCGCCTCCTAGCAGGACTTGGCATAATAAAACGAC-3'
Protein context (NP_001193.2, residues 20-40): GASHASLIPE[Thr30Ala]GKKKVAEIQG